The following is an entry in ClinVar:

NM_006073.4(TRDN):c.655A>G (p.Lys219Glu)

Gene: TRDN (triadin; minus strand). Cytogenetic location: 6q22.31.
Variant type: single nucleotide variant.
Coding change: c.655A>G on transcript NM_006073.4 (MANE Select); coding-DNA position 655, A replaced by G.
Protein change: p.Lys219Glu; replaces lysine 219 with glutamic acid.
Molecular consequence: missense variant.
Genome position (GRCh38, 1-based): chr6:123,503,857, T>C on the plus strand (A>G on the coding strand, the complement: TRDN is on the minus strand). VCF-style: chr6-123503857-T-C. GRCh37 (hg19) VCF-style: chr6-123825002-T-C.
Other names: c.655A>G, p.Lys219Glu (NM_001251987.2, NM_001256020.2, NM_001256021.2); c.655A>G (NM_006073.2); short protein forms K219E.
Identifiers: ClinVar variation 1512701 (VCV001512701.8), dbSNP rs1562351485, ClinGen allele CA365567842.

ClinVar aggregate classification (germline): Uncertain significance. Review status: criteria provided, multiple submitters, no conflicts (2 of 4 stars). 2 submissions from 2 submitters: Uncertain significance (2). Last evaluated 2024-03-05.

Conditions:
Catecholaminergic polymorphic ventricular tachycardia 1. Also called: RYR2-Related Catecholaminergic Polymorphic Ventricular Tachycardia; VENTRICULAR TACHYCARDIA, STRESS-INDUCED POLYMORPHIC 1; VENTRICULAR TACHYCARDIA, CATECHOLAMINERGIC POLYMORPHIC, 1, WITH OR WITHOUT ATRIAL DYSFUNCTION AND/OR DILATED CARDIOMYOPATHY. Identifiers: Orphanet 3286, MedGen C1631597, MONDO:0011484, OMIM 604772.
Cardiovascular phenotype. Identifiers: MedGen CN230736.

Allele frequency attached by ClinVar (database versions not stated): gnomAD exomes below 0.00001.
gnomAD v4.1: 1 of 1,589,620 alleles (0.000063%); highest among the groups gnomAD compares: Non-Finnish European, 0.000086%; no homozygotes.

Submissions (2):

Ambry Genetics
Classification: Uncertain significance for Cardiovascular phenotype. Last evaluated: 2024-03-05. Review status: criteria provided, single submitter. Criteria: Ambry Variant Classification Scheme 2023. Collection method: clinical testing. Allele origin: germline.
Comment: The p.K219E variant (also known as c.655A>G), located in coding exon 8 of the TRDN gene, results from an A to G substitution at nucleotide position 655. The lysine at codon 219 is replaced by glutamic acid, an amino acid with similar properties. This amino acid position is conserved. In addition, this alteration is predicted to be tolerated by in silico analysis. Based on the available evidence, the clinical significance of this alteration remains unclear.

Labcorp Genetics (formerly Invitae), Labcorp
Classification: Uncertain significance for Catecholaminergic polymorphic ventricular tachycardia 1. Last evaluated: 2022-07-26. Review status: criteria provided, single submitter. Criteria: Invitae Variant Classification Sherloc (09022015). Collection method: clinical testing. Allele origin: germline.
Comment: In summary, the available evidence is currently insufficient to determine the role of this variant in disease. Therefore, it has been classified as a Variant of Uncertain Significance. Algorithms developed to predict the effect of missense changes on protein structure and function are either unavailable or do not agree on the potential impact of this missense change (SIFT: "Tolerated"; PolyPhen-2: "Not Available"; Align-GVGD: "Class C0"). ClinVar contains an entry for this variant (Variation ID: 1512701). This variant has not been reported in the literature in individuals affected with TRDN-related conditions. This variant is not present in population databases (gnomAD no frequency). This sequence change replaces lysine, which is basic and polar, with glutamic acid, which is acidic and polar, at codon 219 of the TRDN protein (p.Lys219Glu).